The following is an entry in ClinVar:

NM_172364.5(CACNA2D4):c.793A>T (p.Thr265Ser)

Gene: CACNA2D4 (calcium voltage-gated channel auxiliary subunit alpha2delta 4; minus strand). Cytogenetic location: 12p13.33.
Variant type: single nucleotide variant.
Coding change: c.793A>T on transcript NM_172364.5 (MANE Select); coding-DNA position 793, A replaced by T.
Protein change: p.Thr265Ser; replaces threonine 265 with serine.
Molecular consequence: missense variant.
Genome position (GRCh38, 1-based): chr12:1,887,058, T>A on the plus strand (A>T on the coding strand, the complement: CACNA2D4 is on the minus strand). VCF-style: chr12-1887058-T-A. GRCh37 (hg19) VCF-style: chr12-1996224-T-A.
Other names: short protein forms T265S.
Identifiers: ClinVar variation 96538 (VCV000096538.6), dbSNP rs398124553, ClinGen allele CA224213.

ClinVar aggregate classification (germline): Uncertain significance. Review status: criteria provided, multiple submitters, no conflicts (2 of 4 stars). 2 submissions from 2 submitters: Uncertain significance (2). Last evaluated 2025-05-01.

Allele frequency attached by ClinVar (database versions not stated): gnomAD exomes below 0.00001; TOPMed 0.00001.
gnomAD v4.1: 2 of 1,588,588 alleles (0.00013%); highest among the groups gnomAD compares: Non-Finnish European, 0.00017%; no homozygotes.

Submissions (2):

Labcorp Genetics (formerly Invitae), Labcorp
Classification: Uncertain significance. Last evaluated: 2025-05-01. Review status: criteria provided, single submitter. Criteria: Invitae Variant Classification Sherloc (09022015). Collection method: clinical testing. Allele origin: germline.
Comment: This sequence change replaces threonine, which is neutral and polar, with serine, which is neutral and polar, at codon 265 of the CACNA2D4 protein (p.Thr265Ser). This variant is not present in population databases (gnomAD no frequency). This variant has not been reported in the literature in individuals affected with CACNA2D4-related conditions. ClinVar contains an entry for this variant (Variation ID: 96538). An algorithm developed to predict the effect of missense changes on protein structure and function (PolyPhen-2) suggests that this variant is likely to be tolerated. In summary, the available evidence is currently insufficient to determine the role of this variant in disease. Therefore, it has been classified as a Variant of Uncertain Significance.

Eurofins Ntd Llc (ga)
Classification: Uncertain significance. Last evaluated: 2013-09-19. Review status: criteria provided, single submitter. Criteria: EGL Classification Definitions 2015. Collection method: clinical testing. Allele origin: germline. Observed: 1 variant allele, 1 heterozygote.